The following is an entry in ClinVar:

NM_182493.3(MYLK3):c.649G>A (p.Ala217Thr)

Gene: MYLK3 (myosin light chain kinase 3; minus strand). Cytogenetic location: 16q11.2.
Variant type: single nucleotide variant.
Coding change: c.649G>A on transcript NM_182493.3 (MANE Select); coding-DNA position 649, G replaced by A.
Protein change: p.Ala217Thr; replaces alanine 217 with threonine.
Molecular consequence: missense variant. On other transcripts: intron variant (1).
Genome position (GRCh38, 1-based): chr16:46,738,063, C>T on the plus strand (G>A on the coding strand, the complement: MYLK3 is on the minus strand). VCF-style: chr16-46738063-C-T. GRCh37 (hg19) VCF-style: chr16-46771975-C-T.
Other names: c.649G>A (NM_182493.2); c.-23+1994G>A (NM_001308301.1); short protein forms A217T.
Identifiers: ClinVar variation 1364923 (VCV001364923.7), dbSNP rs575256657, ClinGen allele CA8038175.

ClinVar aggregate classification (germline): Conflicting classifications of pathogenicity. Review status: criteria provided, conflicting classifications (1 of 4 stars). 2 submissions from 2 submitters: Uncertain significance (1); Likely benign (1). Last evaluated 2025-09-17.

Allele frequency attached by ClinVar (database versions not stated): 1000 Genomes Project 30x 0.00016; 1000 Genomes Project 0.00020.

Submissions (2):

Labcorp Genetics (formerly Invitae), Labcorp
Classification: Uncertain significance. Last evaluated: 2025-09-17. Review status: criteria provided, single submitter. Criteria: Invitae Variant Classification Sherloc (09022015). Collection method: clinical testing. Allele origin: germline.
Comment: This sequence change replaces alanine, which is neutral and non-polar, with threonine, which is neutral and polar, at codon 217 of the MYLK3 protein (p.Ala217Thr). This variant is present in population databases (rs575256657, gnomAD 0.01%). This variant has not been reported in the literature in individuals affected with MYLK3-related conditions. ClinVar contains an entry for this variant (Variation ID: 1364923). An algorithm developed to predict the effect of missense changes on protein structure and function outputs the following: PolyPhen-2: "Benign". The threonine amino acid residue is found in multiple mammalian species, which suggests that this missense change does not adversely affect protein function. In summary, the available evidence is currently insufficient to determine the role of this variant in disease. Therefore, it has been classified as a Variant of Uncertain Significance.

Ambry Genetics
Classification: Likely benign. Last evaluated: 2025-01-22. Review status: criteria provided, single submitter. Criteria: Ambry Variant Classification Scheme 2023. Collection method: clinical testing. Allele origin: germline.